The following is an entry in ClinVar:

ClinVar aggregate classification (germline): Uncertain significance (1 of 4 stars; one submission).

Conditions:
Cohen syndrome (COH1). Also called: PEPPER SYNDROME; Cutis verticis gyrata, retinitis pigmentosa, and sensorineural deafness. Identifiers: Orphanet 193, MedGen C0265223, MONDO:0008999, OMIM 216550.

Allele frequency attached by ClinVar (database versions not stated): gnomAD exomes below 0.00001.
gnomAD v4.1: 2 of 1,614,060 alleles (0.00012%); highest among the groups gnomAD compares: Non-Finnish European, 0.00017%; no homozygotes.

Submission:

Labcorp Genetics (formerly Invitae), Labcorp
Classification: Uncertain significance for Cohen syndrome. Last evaluated: 2022-04-23. Review status: criteria provided, single submitter. Criteria: Invitae Variant Classification Sherloc (09022015). Collection method: clinical testing. Allele origin: germline.
Comment: In summary, the available evidence is currently insufficient to determine the role of this variant in disease. Therefore, it has been classified as a Variant of Uncertain Significance. Algorithms developed to predict the effect of missense changes on protein structure and function are either unavailable or do not agree on the potential impact of this missense change (SIFT: "Not Available"; PolyPhen-2: "Benign"; Align-GVGD: "Not Available"). This variant has not been reported in the literature in individuals affected with VPS13B-related conditions. This variant is present in population databases (no rsID available, gnomAD 0.0009%). This sequence change replaces glutamine, which is neutral and polar, with arginine, which is basic and polar, at codon 3929 of the VPS13B protein (p.Gln3929Arg).

NM_152564.5(VPS13B):c.11711A>G (p.Gln3904Arg)

Gene: VPS13B (vacuolar protein sorting 13 homolog B; plus strand). Cytogenetic location: 8q22.2.
Variant type: single nucleotide variant.
Coding change: c.11711A>G on transcript NM_152564.5 (MANE Select); coding-DNA position 11711, A replaced by G.
Protein change: p.Gln3904Arg; replaces glutamine 3904 with arginine.
Molecular consequence: missense variant.
Genome position (GRCh38, 1-based): chr8:99,871,663, A>G. VCF-style: chr8-99871663-A-G. GRCh37 (hg19) VCF-style: chr8-100883891-A-G.
Other names: c.11786A>G, p.Gln3929Arg (NM_017890.5); short protein forms Q3904R, Q3929R.
Identifiers: ClinVar variation 1485812 (VCV001485812.8), dbSNP rs1484708441, ClinGen allele CA371794989.